The following is an entry in ClinVar:

NM_000521.4(HEXB):c.1474T>A (p.Tyr492Asn)

Gene: HEXB (hexosaminidase subunit beta; plus strand). Cytogenetic location: 5q13.3.
Variant type: single nucleotide variant.
Coding change: c.1474T>A on transcript NM_000521.4 (MANE Select); coding-DNA position 1474, T replaced by A.
Protein change: p.Tyr492Asn; replaces tyrosine 492 with asparagine.
Molecular consequence: missense variant.
Genome position (GRCh38, 1-based): chr5:74,720,484, T>A. VCF-style: chr5-74720484-T-A. GRCh37 (hg19) VCF-style: chr5-74016309-T-A.
Other names: c.799T>A, p.Tyr267Asn (NM_001292004.2); short protein forms Y267N, Y492N.
Identifiers: ClinVar variation 2691862 (VCV002691862.2), dbSNP rs2478772069, ClinGen allele CA360070947.

ClinVar aggregate classification (germline): Uncertain significance (1 of 4 stars; one submission).

Conditions:
Sandhoff disease. Also called: Beta-hexosaminidase-beta-subunit deficiency; GM2 gangliosidosis, type 2; Total hexosaminidase deficiency; Sandhoff-Jatzkewitz-Pilz disease; GM2-GANGLIOSIDOSIS, TYPE II; HEXOSAMINIDASES A AND B DEFICIENCY. Identifiers: Orphanet 796, MedGen C0036161, MONDO:0010006, OMIM 268800.

Allele frequency attached by ClinVar (database versions not stated): gnomAD exomes below 0.00001.
gnomAD v4.1: 1 of 1,613,664 alleles (0.000062%); highest among the groups gnomAD compares: Non-Finnish European, 0.000085%; no homozygotes.

Submission:

Institute of Human Genetics, University of Leipzig Medical Center
Classification: Uncertain significance for Sandhoff disease. Last evaluated: 2024-01-03. Review status: criteria provided, single submitter. Criteria: ACMG Guidelines, 2015. Collection method: clinical testing. Allele origin: maternal. Inheritance: Autosomal recessive inheritance. Affected: yes.
Comment: Criteria applied: PM2_SUP,PP3,PP4